The following is an entry in ClinVar:

NM_001430.5(EPAS1):c.1504G>A (p.Glu502Lys)

Gene: EPAS1 (endothelial PAS domain protein 1; plus strand). Cytogenetic location: 2p21.
Variant type: single nucleotide variant.
Coding change: c.1504G>A on transcript NM_001430.5 (MANE Select); coding-DNA position 1504, G replaced by A.
Protein change: p.Glu502Lys; replaces glutamic acid 502 with lysine.
Molecular consequence: missense variant.
Genome position (GRCh38, 1-based): chr2:46,378,717, G>A. VCF-style: chr2-46378717-G-A. GRCh37 (hg19) VCF-style: chr2-46605856-G-A.
Other names: short protein forms E502K.
Identifiers: ClinVar variation 3275717 (VCV003275717.1).

ClinVar aggregate classification (germline): Uncertain significance (1 of 4 stars; one submission).

Conditions:
Inborn genetic diseases. Identifiers: MedGen C0950123, MeSH D030342.

Submission:

Ambry Genetics
Classification: Uncertain significance for Inborn genetic diseases. Last evaluated: 2024-05-08. Review status: criteria provided, single submitter. Criteria: Ambry Variant Classification Scheme 2023. Collection method: clinical testing. Allele origin: germline.
Comment: The p.E502K variant (also known as c.1504G>A), located in coding exon 11 of the EPAS1 gene, results from a G to A substitution at nucleotide position 1504. The glutamic acid at codon 502 is replaced by lysine, an amino acid with similar properties. This amino acid position is conserved. In addition, this alteration is predicted to be deleterious by in silico analysis. Based on the available evidence, the clinical significance of this variant remains unclear.